The following is an entry in ClinVar:

NM_018975.4(TERF2IP):c.275A>G (p.Glu92Gly)

Gene: TERF2IP (TERF2 interacting protein; plus strand). Cytogenetic location: 16q23.1.
Variant type: single nucleotide variant.
Coding change: c.275A>G on transcript NM_018975.4 (MANE Select); coding-DNA position 275, A replaced by G.
Protein change: p.Glu92Gly; replaces glutamic acid 92 with glycine.
Molecular consequence: missense variant. On other transcripts: non-coding transcript variant (1).
Genome position (GRCh38, 1-based): chr16:75,648,157, A>G. VCF-style: chr16-75648157-A-G. GRCh37 (hg19) VCF-style: chr16-75682055-A-G.
Other names: short protein forms E92G.
Identifiers: ClinVar variation 1795652 (VCV001795652.8), dbSNP rs992643532, ClinGen allele CA284334332.
Genomic context (GRCh38, chr16:75,648,157, plus strand): 5'-CCGAGGCCTCGGGTGATTTCATCTCCACGCAGTACATCCTGGACTGCGTGGAGCGCAACG[A>G]GAGGCTGGAGCTGGAGGCCTATCGGCTGGGCCCCGCCTCGGCGGCGGACACCGGCTCGGA-3'
Protein context (NP_061848.2, residues 82-102): QYILDCVERN[Glu92Gly]RLELEAYRLG

ClinVar aggregate classification (germline): Uncertain significance. Review status: criteria provided, multiple submitters, no conflicts (2 of 4 stars). 2 submissions from 2 submitters: Uncertain significance (2). Last evaluated 2025-03-07.

Allele frequency attached by ClinVar (database versions not stated): gnomAD 0.00001.

Submissions (2):

Ambry Genetics
Classification: Uncertain significance. Last evaluated: 2025-03-07. Review status: criteria provided, single submitter. Criteria: Ambry Variant Classification Scheme 2023. Collection method: clinical testing. Allele origin: germline.

Labcorp Genetics (formerly Invitae), Labcorp
Classification: Uncertain significance. Last evaluated: 2022-06-03. Review status: criteria provided, single submitter. Criteria: Invitae Variant Classification Sherloc (09022015). Collection method: clinical testing. Allele origin: germline.
Comment: This variant has not been reported in the literature in individuals affected with TERF2IP-related conditions. This variant is not present in population databases (gnomAD no frequency). This sequence change replaces glutamic acid, which is acidic and polar, with glycine, which is neutral and non-polar, at codon 92 of the TERF2IP protein (p.Glu92Gly). Algorithms developed to predict the effect of missense changes on protein structure and function are either unavailable or do not agree on the potential impact of this missense change (SIFT: "Deleterious"; PolyPhen-2: "Benign"; Align-GVGD: "Class C15"). In summary, the available evidence is currently insufficient to determine the role of this variant in disease. Therefore, it has been classified as a Variant of Uncertain Significance.